The following is an entry in ClinVar:

ClinVar aggregate classification (germline): Uncertain significance (1 of 4 stars; one submission).

gnomAD v4.1: 17 of 1,587,344 alleles (0.0011%); highest among the groups gnomAD compares: Non-Finnish European, 0.0015%; no homozygotes.

Submission:

Mayo Clinic Laboratories, Mayo Clinic
Classification: Uncertain significance. Last evaluated: 2024-07-17. Review status: criteria provided, single submitter. Criteria: ACMG Guidelines, 2015. Collection method: clinical testing. Allele origin: germline. Observed: 1 variant allele.
Comment: PP3, PM2, PS1_supporting

NM_017909.4(RMND1):c.729+5G>C

Gene: RMND1 (required for meiotic nuclear division 1 homolog; minus strand). Cytogenetic location: 6q25.1.
Variant type: single nucleotide variant.
Coding change: c.729+5G>C on transcript NM_017909.4 (MANE Select); 5 bases into the intron after coding-DNA position 729, G replaced by C.
Molecular consequence: intron variant.
Genome position (GRCh38, 1-based): chr6:151,430,133, C>G on the plus strand (G>C on the coding strand, the complement: RMND1 is on the minus strand). VCF-style: chr6-151430133-C-G. GRCh37 (hg19) VCF-style: chr6-151751268-C-G.
Other names: c.219+5G>C (NM_001271937.2).
Identifiers: ClinVar variation 3379719 (VCV003379719.1).